The following is an entry in ClinVar:

NM_001128225.3(SLC39A13):c.596C>G (p.Ala199Gly)

Gene: SLC39A13 (solute carrier family 39 member 13; plus strand). Cytogenetic location: 11p11.2.
Variant type: single nucleotide variant.
Coding change: c.596C>G on transcript NM_001128225.3 (MANE Select); coding-DNA position 596, C replaced by G.
Protein change: p.Ala199Gly; replaces alanine 199 with glycine.
Molecular consequence: missense variant. On other transcripts: non-coding transcript variant (1).
Genome position (GRCh38, 1-based): chr11:47,413,458, C>G. VCF-style: chr11-47413458-C-G. GRCh37 (hg19) VCF-style: chr11-47435009-C-G.
Other names: p.Ala199Gly; c.596C>G, p.Ala199Gly (NM_001330245.2, NM_152264.5); short protein forms A199G.
Identifiers: ClinVar variation 3380019 (VCV003380019.1).

ClinVar aggregate classification (germline): Uncertain significance (1 of 4 stars; one submission).

Submission:

Mayo Clinic Laboratories, Mayo Clinic
Classification: Uncertain significance. Last evaluated: 2024-07-29. Review status: criteria provided, single submitter. Criteria: ACMG Guidelines, 2015. Collection method: clinical testing. Allele origin: germline. Observed: 1 variant allele.
Comment: BP4, PM2